The following is an entry in ClinVar:

ClinVar aggregate classification (germline): Benign/Likely benign. Review status: criteria provided, multiple submitters, no conflicts (2 of 4 stars). 4 submissions from 4 submitters: Benign (2); Likely benign (2). Last evaluated 2026-01-19.

Allele frequency attached by ClinVar (database versions not stated): ESP Exome Variant Server 0.00025; TOPMed 0.00039; gnomAD exomes 0.00069 and 0.00086; gnomAD 0.00070 and 0.00075; ExAC 0.00105.
gnomAD v4.1: 1,117 of 1,613,558 alleles (0.069%); highest among the groups gnomAD compares: Non-Finnish European, 0.064%; 3 homozygotes.

Submissions (4):

Labcorp Genetics (formerly Invitae), Labcorp
Classification: Benign. Last evaluated: 2026-01-19. Review status: criteria provided, single submitter. Criteria: Invitae Variant Classification Sherloc (09022015). Collection method: clinical testing. Allele origin: germline.

CeGaT Center for Human Genetics Tuebingen
Classification: Likely benign. Last evaluated: 2026-01-01. Review status: criteria provided, single submitter. Criteria: CeGaT Center For Human Genetics Tuebingen Variant Classification Criteria Version 2. Collection method: clinical testing. Allele origin: germline. Affected: yes. Observed: 2 variant alleles.
Comment: NEDD4L: BP4, BP7

Blueprint Genetics
Classification: Likely benign. Last evaluated: 2024-11-19. Review status: criteria provided, single submitter. Criteria: ACMG Guidelines, 2015. Collection method: clinical testing. Allele origin: germline.

GeneDx
Classification: Benign. Last evaluated: 2021-01-07. Review status: criteria provided, single submitter. Criteria: GeneDx Variant Classification Process June 2021. Collection method: clinical testing. Allele origin: germline. Affected: yes.

NM_001144967.3(NEDD4L):c.1980T>C (p.Tyr660=)

Gene: NEDD4L (NEDD4 like E3 ubiquitin protein ligase; plus strand). Cytogenetic location: 18q21.31.
Variant type: single nucleotide variant.
Coding change: c.1980T>C on transcript NM_001144967.3 (MANE Select); coding-DNA position 1980, T replaced by C.
Protein change: p.Tyr660=; no amino-acid change (tyrosine 660 retained).
Molecular consequence: synonymous variant.
Genome position (GRCh38, 1-based): chr18:58,366,145, T>C. VCF-style: chr18-58366145-T-C. GRCh37 (hg19) VCF-style: chr18-56033377-T-C.
Other names: c.1617T>C, p.Tyr539= (NM_001144964.1, NM_001144965.2, NM_001144966.3); c.1956T>C, p.Tyr652= (NM_001144968.2); c.1896T>C, p.Tyr632= (NM_001144969.2); c.1557T>C, p.Tyr519= (NM_001144970.3, NM_001144971.2); c.1788T>C, p.Tyr596= (NM_001243960.2); c.1920T>C, p.Tyr640= (NM_015277.6).
Identifiers: ClinVar variation 417014 (VCV000417014.39), dbSNP rs202013710, ClinGen allele CA8975852.